The following is an entry in ClinVar:

NM_018699.4(PRDM5):c.1112G>A (p.Ser371Asn)

Gene: PRDM5 (PR/SET domain 5; minus strand). Cytogenetic location: 4q27.
Variant type: single nucleotide variant.
Coding change: c.1112G>A on transcript NM_018699.4 (MANE Select); coding-DNA position 1112, G replaced by A.
Protein change: p.Ser371Asn; replaces serine 371 with asparagine.
Molecular consequence: missense variant.
Genome position (GRCh38, 1-based): chr4:120,798,343, C>T on the plus strand (G>A on the coding strand, the complement: PRDM5 is on the minus strand). VCF-style: chr4-120798343-C-T. GRCh37 (hg19) VCF-style: chr4-121719498-C-T.
Other names: c.1019G>A, p.Ser340Asn (NM_001300823.2, NM_001300824.2, NM_001379106.1); c.1145G>A, p.Ser382Asn (NM_001379104.1); short protein forms S371N, S340N, S382N.
Identifiers: ClinVar variation 3937795 (VCV003937795.1).

ClinVar aggregate classification (germline): Uncertain significance (1 of 4 stars; one submission).

Conditions:
Cardiovascular phenotype. Identifiers: MedGen CN230736.

Submission:

Ambry Genetics
Classification: Uncertain significance for Cardiovascular phenotype. Last evaluated: 2025-05-30. Review status: criteria provided, single submitter. Criteria: Ambry Variant Classification Scheme 2023. Collection method: clinical testing. Allele origin: germline.
Comment: The p.S371N variant (also known as c.1112G>A), located in coding exon 10 of the PRDM5 gene, results from a G to A substitution at nucleotide position 1112. The serine at codon 371 is replaced by asparagine, an amino acid with highly similar properties. This amino acid position is conserved. In addition, this alteration is predicted to be tolerated by in silico analysis. Based on the available evidence, the clinical significance of this variant remains unclear.